The following is an entry in ClinVar:

ClinVar aggregate classification (germline): Uncertain significance (1 of 4 stars; one submission).

Conditions:
Hereditary cancer-predisposing syndrome. Also called: Neoplastic Syndromes, Hereditary; Hereditary Cancer Syndrome; Tumor predisposition; Hereditary neoplastic syndrome. Identifiers: Orphanet 140162, MedGen C0027672, MeSH D009386, MONDO:0015356.

Submission:

Labcorp Genetics (formerly Invitae), Labcorp
Classification: Uncertain significance for Hereditary cancer-predisposing syndrome. Last evaluated: 2019-11-14. Review status: criteria provided, single submitter. Criteria: Invitae Variant Classification Sherloc (09022015). Collection method: clinical testing. Allele origin: germline.
Comment: In summary, the available evidence is currently insufficient to determine the role of this variant in disease. Therefore, it has been classified as a Variant of Uncertain Significance. Algorithms developed to predict the effect of missense changes on protein structure and function are either unavailable or do not agree on the potential impact of this missense change (SIFT: "Tolerated"; PolyPhen-2: "Probably Damaging"; Align-GVGD: "Class C0"). This sequence change replaces phenylalanine with leucine at codon 669 of the RAD50 protein (p.Phe669Leu). The phenylalanine residue is moderately conserved and there is a small physicochemical difference between phenylalanine and leucine. This variant is not present in population databases (ExAC no frequency). This variant has not been reported in the literature in individuals with RAD50-related conditions.

NM_005732.4(RAD50):c.2007C>A (p.Phe669Leu)

Gene: RAD50 (RAD50 double strand break repair protein; plus strand). Cytogenetic location: 5q31.1.
Variant type: single nucleotide variant.
Coding change: c.2007C>A on transcript NM_005732.4 (MANE Select); coding-DNA position 2007, C replaced by A.
Protein change: p.Phe669Leu; replaces phenylalanine 669 with leucine.
Molecular consequence: missense variant.
Genome position (GRCh38, 1-based): chr5:132,595,610, C>A. VCF-style: chr5-132595610-C-A. GRCh37 (hg19) VCF-style: chr5-131931302-C-A.
Other names: short protein forms F669L.
Identifiers: ClinVar variation 969349 (VCV000969349.10), dbSNP rs1750776498, ClinGen allele CA360949337.